The following is an entry in ClinVar:

NM_003839.4(TNFRSF11A):c.39_65dup (p.Leu14_Ala22dup)

Genes: TNFRSF11A (TNF receptor superfamily member 11a; plus strand), LOC130062628 (ATAC-STARR-seq lymphoblastoid silent region 9505; plus strand). Cytogenetic location: 18q21.33.
Variant type: Duplication.
Coding change: c.39_65dup on transcript NM_003839.4 (MANE Select); coding-DNA positions 39 to 65, 27 bases duplicated (GCTGCTGCTGCTCTGCGCGCTGCTCGC).
Protein change: p.Leu14_Ala22dup.
Molecular consequence: inframe insertion.
Genome position (GRCh38, 1-based): chr18:62,325,391-62,325,417, GCTGCTGCTGCTCTGCGCGCTGCTCGC duplicated; duplicating any 27 consecutive bases within chr18:62,325,387-62,325,417 gives the same sequence; the c. name uses the placement nearest the transcript's 3' end. VCF-style (leftmost placement, unchanged base first): chr18-62325386-T-TTCGCGCTGCTGCTGCTCTGCGCGCTGC. GRCh37 (hg19) VCF-style: chr18-59992619-T-TTCGCGCTGCTGCTGCTCTGCGCGCTGC.
Other names: c.39_65dup, p.Leu14_Ala22dup (NM_001270949.2, NM_001270950.2, NM_001270951.2 and 1 more transcripts).
Identifiers: ClinVar variation 6300 (VCV000006300.10), dbSNP rs796051862, ClinGen allele CA212848.

ClinVar aggregate classification (germline): Pathogenic. Review status: criteria provided, single submitter (1 of 4 stars). 2 submissions from 2 submitters: Pathogenic (1). 1 of the submissions does not count toward it. Last evaluated 2023-08-31.

Conditions:
Paget disease of bone 2, early-onset (PDB2). Also called: Paget disease of bone 2. Identifiers: MedGen C4085251, MONDO:0011183, OMIM 602080.

Submissions (2):

Labcorp Genetics (formerly Invitae), Labcorp
Classification: Pathogenic. Last evaluated: 2023-08-31. Review status: criteria provided, single submitter. Criteria: Invitae Variant Classification Sherloc (09022015). Collection method: clinical testing. Allele origin: germline.
Comment: For these reasons, this variant has been classified as Pathogenic. Experimental studies have shown that this variant affects TNFRSF11A function (PMID: 10615125, 21472776). Algorithms developed to predict the effect of variants on protein structure and function are not available or were not evaluated for this variant. ClinVar contains an entry for this variant (Variation ID: 6300). This variant is also known as 75dup27 and 77dup27. This variant has been observed in individuals with autosomal dominant expansile osteolytic syndromes (PMID: 10615125, 31923705; Invitae). It has also been observed to segregate with disease in related individuals. This variant is not present in population databases (gnomAD no frequency). This variant, c.39_65dup, results in the insertion of 9 amino acid(s) of the TNFRSF11A protein (p.Leu14_Ala22dup), but otherwise preserves the integrity of the reading frame.

OMIM
Classification: Pathogenic for PAGET DISEASE OF BONE 2, EARLY-ONSET. Last evaluated: 2000-01-01. Review status: no assertion criteria provided. Collection method: literature only. Allele origin: germline. Not counted in ClinVar's aggregate classification.

Literature cited by the submitters: PubMed 10615125 (cited by Labcorp Genetics (formerly Invitae), Labcorp and OMIM); PubMed 21472776 (cited by Labcorp Genetics (formerly Invitae), Labcorp); PubMed 31923705 (cited by Labcorp Genetics (formerly Invitae), Labcorp).